The following is an entry in ClinVar:

ClinVar aggregate classification (germline): Uncertain significance. Review status: criteria provided, multiple submitters, no conflicts (2 of 4 stars). 2 submissions from 2 submitters: Uncertain significance (2). Last evaluated 2026-02-22.

Conditions:
Familial thoracic aortic aneurysm and aortic dissection (TAAD). Also called: Thoracic aortic aneurysms and dissections. Identifiers: Orphanet 91387, MedGen C4707243, MONDO:0019625.
Shprintzen-Goldberg syndrome (SGS). Also called: SHPRINTZEN-GOLDBERG CRANIOSYNOSTOSIS SYNDROME; CRANIOSYNOSTOSIS WITH ARACHNODACTYLY AND ABDOMINAL HERNIAS; Marfanoid disorder with craniosynostosis type 1; Marfanoid craniosynostosis syndrome; Shprintzen-Goldberg marfanoid syndrome. Identifiers: Orphanet 2462, MedGen C1321551, MONDO:0008426, OMIM 182212.

Submissions (2):

Ambry Genetics
Classification: Uncertain significance for Familial thoracic aortic aneurysm and aortic dissection. Last evaluated: 2026-02-22. Review status: criteria provided, single submitter. Criteria: Ambry Variant Classification Scheme 2023. Collection method: clinical testing. Allele origin: germline.
Comment: The p.A580T variant (also known as c.1738G>A), located in coding exon 5 of the SKI gene, results from a G to A substitution at nucleotide position 1738. The alanine at codon 580 is replaced by threonine, an amino acid with similar properties. This amino acid position is conserved. In addition, the in silico prediction for this alteration is inconclusive. Based on the available evidence, the clinical significance of this variant remains unclear.

Labcorp Genetics (formerly Invitae), Labcorp
Classification: Uncertain significance for Shprintzen-Goldberg syndrome. Last evaluated: 2024-12-12. Review status: criteria provided, single submitter. Criteria: Invitae Variant Classification Sherloc (09022015). Collection method: clinical testing. Allele origin: germline.
Comment: This sequence change replaces alanine, which is neutral and non-polar, with threonine, which is neutral and polar, at codon 580 of the SKI protein (p.Ala580Thr). This variant is not present in population databases (gnomAD no frequency). This variant has not been reported in the literature in individuals affected with SKI-related conditions. ClinVar contains an entry for this variant (Variation ID: 942843). Invitae Evidence Modeling of protein sequence and biophysical properties (such as structural, functional, and spatial information, amino acid conservation, physicochemical variation, residue mobility, and thermodynamic stability) has been performed for this missense variant. However, the output from this modeling did not meet the statistical confidence thresholds required to predict the impact of this variant on SKI protein function. In summary, the available evidence is currently insufficient to determine the role of this variant in disease. Therefore, it has been classified as a Variant of Uncertain Significance.

NM_003036.4(SKI):c.1738G>A (p.Ala580Thr)

Gene: SKI (SKI proto-oncogene; plus strand). Cytogenetic location: 1p36.32.
Variant type: single nucleotide variant.
Coding change: c.1738G>A on transcript NM_003036.4 (MANE Select); coding-DNA position 1738, G replaced by A.
Protein change: p.Ala580Thr; replaces alanine 580 with threonine.
Molecular consequence: missense variant.
Genome position (GRCh38, 1-based): chr1:2,304,556, G>A. VCF-style: chr1-2304556-G-A. GRCh37 (hg19) VCF-style: chr1-2235995-G-A.
Other names: short protein forms A580T.
Identifiers: ClinVar variation 942843 (VCV000942843.10), dbSNP rs1640519904, ClinGen allele CA337957854.